The following is an entry in ClinVar:

NM_001321759.2(CDIN1):c.723del (p.Pro242fs)

Gene: CDIN1 (CDAN1 interacting nuclease 1; plus strand). Cytogenetic location: 15q14.
Variant type: Deletion.
Coding change: c.723del on transcript NM_001321759.2 (MANE Select); coding-DNA position 723, one base deleted (G; older notation c.723delG).
Protein change: p.Pro242fs; shifts the reading frame from proline 242.
Molecular consequence: frameshift variant.
Genome position (GRCh38, 1-based): chr15:36,808,330, G deleted; the last of 3 consecutive G bases (chr15:36,808,328-36,808,330); deleting any one gives the same sequence. VCF-style (leftmost placement, unchanged base first): chr15-36808327-TG-T. GRCh37 (hg19) VCF-style: chr15-37100528-TG-T.
Other names: c.723del, p.Pro242fs (NM_001130010.3); c.429del, p.Pro144fs (NM_001290232.2, NM_001321756.2, NM_032499.6); c.354del, p.Pro119fs (NM_001321757.2); c.612del, p.Pro205fs (NM_001321758.2); c.617del, p.Gly206fs (NM_001321760.2); c.741del, p.Pro248fs (NM_001321761.2); short protein forms G206fs, P119fs, P144fs, P205fs, P242fs, P248fs.
Identifiers: ClinVar variation 1307698 (VCV001307698.2), dbSNP rs2141158967, ClinGen allele CA2565348044.

ClinVar aggregate classification (germline): Uncertain significance (1 of 4 stars; one submission).

Submission:

GeneDx
Classification: Uncertain significance. Last evaluated: 2019-08-02. Review status: criteria provided, single submitter. Criteria: GeneDx Variant Classification Process June 2021. Collection method: clinical testing. Allele origin: germline. Affected: yes.
Comment: Not observed in large population cohorts (Lek et al., 2016); Frameshift variant predicted to result in protein truncation as the last 40 amino acids are lost and replaced with 2 incorrect amino acids, although loss-of-function variants have not been reported downstream of this position in the protein; Has not been previously published as pathogenic or benign to our knowledge